The following is an entry in ClinVar:

NM_000140.5(FECH):c.10C>T (p.Leu4Phe)

Genes: FECH (ferrochelatase; minus strand), LOC130062560 (ATAC-STARR-seq lymphoblastoid silent region 9481; plus strand). Cytogenetic location: 18q21.31.
Variant type: single nucleotide variant.
Coding change: c.10C>T on transcript NM_000140.5 (MANE Select); coding-DNA position 10, C replaced by T.
Protein change: p.Leu4Phe; replaces leucine 4 with phenylalanine.
Molecular consequence: missense variant. On other transcripts: 5 prime UTR variant (1).
Genome position (GRCh38, 1-based): chr18:57,586,611, G>A on the plus strand (C>T on the coding strand, the complement: FECH is on the minus strand). VCF-style: chr18-57586611-G-A. GRCh37 (hg19) VCF-style: chr18-55253843-G-A.
Other names: c.10C>T (NM_000140.3); c.-317C>T (NM_001371095.1); c.10C>T, p.Leu4Phe (NM_001374778.1, NM_001012515.4, NM_001371094.1); short protein forms L4F.
Identifiers: ClinVar variation 2187456 (VCV002187456.3), dbSNP rs917599423, ClinGen allele CA300842866.

ClinVar aggregate classification (germline): Uncertain significance. Review status: criteria provided, multiple submitters, no conflicts (2 of 4 stars). 2 submissions from 2 submitters: Uncertain significance (2). Last evaluated 2024-10-25.

Conditions:
Inborn genetic diseases. Identifiers: MedGen C0950123, MeSH D030342.

Allele frequency attached by ClinVar (database versions not stated): gnomAD 0.00001; gnomAD exomes 0.00002; TOPMed 0.00002.
gnomAD v4.1: 34 of 1,521,798 alleles (0.0022%); highest among the groups gnomAD compares: Non-Finnish European, 0.0029%; no homozygotes.

Submissions (2):

Labcorp Genetics (formerly Invitae), Labcorp
Classification: Uncertain significance. Last evaluated: 2024-10-25. Review status: criteria provided, single submitter. Criteria: Invitae Variant Classification Sherloc (09022015). Collection method: clinical testing. Allele origin: germline.
Comment: This sequence change replaces leucine, which is neutral and non-polar, with phenylalanine, which is neutral and non-polar, at codon 4 of the FECH protein (p.Leu4Phe). The frequency data for this variant in the population databases is considered unreliable, as metrics indicate poor data quality at this position in the gnomAD database. This variant has not been reported in the literature in individuals affected with FECH-related conditions. ClinVar contains an entry for this variant (Variation ID: 2187456). Invitae Evidence Modeling of protein sequence and biophysical properties (such as structural, functional, and spatial information, amino acid conservation, physicochemical variation, residue mobility, and thermodynamic stability) indicates that this missense variant is not expected to disrupt FECH protein function with a negative predictive value of 95%. In summary, the available evidence is currently insufficient to determine the role of this variant in disease. Therefore, it has been classified as a Variant of Uncertain Significance.

Ambry Genetics
Classification: Uncertain significance for Inborn genetic diseases. Last evaluated: 2024-10-11. Review status: criteria provided, single submitter. Criteria: Ambry Variant Classification Scheme 2023. Collection method: clinical testing. Allele origin: germline.